The following is an entry in ClinVar:

NM_001321092.3(GPS1):c.177G>A (p.Arg59=)

Gene: GPS1 (G protein pathway suppressor 1; plus strand). Cytogenetic location: 17q25.3.
Variant type: single nucleotide variant.
Coding change: c.177G>A on transcript NM_001321092.3 (MANE Select); coding-DNA position 177, G replaced by A.
Protein change: p.Arg59=; no amino-acid change (arginine 59 retained).
Molecular consequence: synonymous variant.
Genome position (GRCh38, 1-based): chr17:82,053,918, G>A. VCF-style: chr17-82053918-G-A. GRCh37 (hg19) VCF-style: chr17-80011794-G-A.
Other names: c.177G>A, p.Arg59= (NM_001394777.1, NM_004127.7, NM_001330539.3 and 3 more transcripts); c.297G>A, p.Arg99= (NM_212492.4, NM_001394760.1, NM_001394761.1); c.381G>A, p.Arg127= (NM_001321091.3, NM_001394759.1, NM_001321089.3 and 1 more transcripts); c.129G>A, p.Arg43= (NM_001321093.3, NM_001394765.1, NM_001394766.1 and 7 more transcripts); c.153G>A, p.Arg51= (NM_001394762.1, NM_001394763.1, NM_001394764.1 and 1 more transcripts).
Identifiers: ClinVar variation 2648484 (VCV002648484.24), dbSNP rs139146000, ClinGen allele CA8849597.

ClinVar aggregate classification (germline): Likely benign (1 of 4 stars; one submission).

Allele frequency attached by ClinVar (database versions not stated): TOPMed 0.00005; gnomAD 0.00006; ExAC 0.00008; ESP Exome Variant Server 0.00008.
gnomAD v4.1: 58 of 1,612,690 alleles (0.0036%); highest among the groups gnomAD compares: Non-Finnish European, 0.0021%; no homozygotes.

Submission:

CeGaT Center for Human Genetics Tuebingen
Classification: Likely benign. Last evaluated: 2022-07-01. Review status: criteria provided, single submitter. Criteria: CeGaT Center For Human Genetics Tuebingen Variant Classification Criteria Version 2. Collection method: clinical testing. Allele origin: germline. Affected: yes. Observed: 1 variant allele.
Comment: GPS1: BP4, BP7